The following is an entry in ClinVar:

NM_007294.4(BRCA1):c.1209dup (p.Glu404Ter)

Gene: BRCA1 (BRCA1 DNA repair associated; minus strand). Cytogenetic location: 17q21.31.
Variant type: Duplication.
Coding change: c.1209dup on transcript NM_007294.4 (MANE Select); coding-DNA position 1209, one base duplicated (T; older notation c.1209dupT).
Protein change: p.Glu404Ter; replaces glutamic acid 404 with a stop codon.
Molecular consequence: nonsense. On other transcripts: intron variant (137).
Genome position (GRCh38, 1-based): chr17:43,094,322, A duplicated on the plus strand (T on the coding strand, the reverse complement: BRCA1 is on the minus strand). VCF-style (leftmost placement, unchanged base first): chr17-43094321-C-CA. GRCh37 (hg19) VCF-style: chr17-41246338-C-CA.
Other names: 1328insT; c.787+422dup (NM_001407980.1, NM_001407993.1, NM_001407976.1 and 19 more transcripts); c.652+422dup (NM_001408451.1); c.643+422dup (NM_001408464.1, NM_001408468.1, NM_001408465.1 and 3 more transcripts); c.523+422dup (NM_001408498.1, NM_001408501.1, NM_001408500.1 and 3 more transcripts); c.646+422dup (NM_001408467.1, NM_001408459.1, NM_001408455.1 and 11 more transcripts); c.583+422dup (NM_001408475.1); c.709+422dup (NM_001408412.1, NM_001408409.1, NM_001408414.1 and 2 more transcripts); and 41 more; short protein forms E357*, E404*, E333*, E293*, E316*, E356*, E276*, E292*.
Identifiers: ClinVar variation 266144 (VCV000266144.7), dbSNP rs886039933, ClinGen allele CA10589961.

ClinVar aggregate classification (germline): Pathogenic. Review status: reviewed by expert panel (3 of 4 stars). 2 submissions from 2 submitters: Pathogenic (1). 1 of the submissions does not count toward it. Last evaluated 2016-10-18.

Conditions:
Breast-ovarian cancer, familial, susceptibility to, 1 (BROVCA1). Also called: BRCA1 Hereditary Breast and Ovarian Cancer; OVARIAN CANCER, SUSCEPTIBILITY TO. Identifiers: Orphanet 145, MedGen C2676676, MONDO:0011450, OMIM 604370. Disease mechanism: loss of function.

Submissions (2):

Evidence-based Network for the Interpretation of Germline Mutant Alleles (ENIGMA)
Classification: Pathogenic for Breast-ovarian cancer, familial, susceptibility to, 1. Last evaluated: 2016-10-18. Review status: reviewed by expert panel. Criteria: ENIGMA BRCA1/2 Classification Criteria (2015). Collection method: curation. Allele origin: germline.
Comment: Variant allele predicted to encode a truncated non-functional protein.

Consortium of Investigators of Modifiers of BRCA1/2 (CIMBA), c/o University of Cambridge
Classification: Pathogenic for Breast-ovarian cancer, familial, susceptibility to, 1. Last evaluated: 2015-10-02. Review status: criteria provided, single submitter. Criteria: CIMBA Mutation Classification guidelines May 2016. Collection method: clinical testing. Allele origin: germline. Not counted in ClinVar's aggregate classification.